The following is an entry in ClinVar:

ClinVar aggregate classification (germline): Likely benign (0 of 4 stars; one submission).

Conditions:
CACNA1G-related disorder. Also called: CACNA1G-related disorders; CACNA1G-related condition.

gnomAD v4.1: 7 of 1,600,920 alleles (0.00044%); highest among the groups gnomAD compares: Non-Finnish European, 0.0006%; no homozygotes.

Submission:

PreventionGenetics, part of Exact Sciences
Classification: Likely benign for CACNA1G-related condition. Last evaluated: 2020-09-11. Review status: no assertion criteria provided. Collection method: clinical testing. Allele origin: germline.
Comment: This variant is classified as likely benign based on ACMG/AMP sequence variant interpretation guidelines (Richards et al. 2015 PMID: 25741868, with internal and published modifications).

NM_018896.5(CACNA1G):c.4705+5G>A

Gene: CACNA1G (calcium voltage-gated channel subunit alpha1 G; plus strand). Cytogenetic location: 17q21.33.
Variant type: single nucleotide variant.
Coding change: c.4705+5G>A on transcript NM_018896.5 (MANE Select); 5 bases into the intron after coding-DNA position 4705, G replaced by A.
Molecular consequence: intron variant. On other transcripts: synonymous variant (13), non-coding transcript variant (1).
Genome position (GRCh38, 1-based): chr17:50,608,024, G>A. VCF-style: chr17-50608024-G-A. GRCh37 (hg19) VCF-style: chr17-48685385-G-A.
Other names: c.4710G>A, p.Lys1570= (NM_001256325.2, NM_001256334.2, NM_198377.3 and 2 more transcripts); c.4608G>A, p.Lys1536= (NM_001256326.2, NM_001256330.2); c.4635G>A, p.Lys1545= (NM_001256360.2); c.4629G>A, p.Lys1543= (NM_001256361.2); c.4641G>A, p.Lys1547= (NM_198376.3, NM_198379.3, NM_198387.3 and 1 more transcripts); c.4705+5G>A (NM_198385.3, NM_198384.3, NM_001256333.2 and 4 more transcripts); c.4624+5G>A (NM_001256359.2); c.4603+5G>A (NM_001256329.2, NM_001256331.2); and 2 more.
Identifiers: ClinVar variation 3031933 (VCV003031933.2), dbSNP rs2545576605, ClinGen allele CA2638764513.
Genomic context (GRCh38, chr17:50,608,024, plus strand): 5'-GGAGGCCCGGCGGCGGGAGGAGAAGCGCCTACGAAGACTGGAGAAAAAGAGAAGGAGTAA[G>A]GAGAAGCAGATGGCTGGTCGGTAGTCTTTCCACCTCTCTCTGGGTCGTGCTTGACCTTGG-3'